The following is an entry in ClinVar:

NM_000182.5(HADHA):c.2001-35TCT[2]

Genes: GAREM2 (GRB2 associated regulator of MAPK1 subtype 2; plus strand), HADHA (hydroxyacyl-CoA dehydrogenase trifunctional multienzyme complex subunit alpha; minus strand). Cytogenetic location: 2p23.3.
Variant type: Microsatellite.
Coding change: c.2001-35TCT[2] on transcript NM_000182.5 (MANE Select); two copies in a row of the 3-base unit TCT starting at c.2001-35; the reference has three copies in a row; one copy, 3 bases deleted.
Molecular consequence: intron variant.
Genome position (GRCh38, 1-based): chr2:26,191,655-26,191,657, AGA deleted on the plus strand (TCT on the coding strand, the reverse complement: HADHA is on the minus strand); deleting any 3 consecutive bases within chr2:26,191,655-26,191,663 gives the same sequence; the position shown is the placement nearest the transcript's 3' end. VCF-style (leftmost placement, unchanged base first): chr2-26191654-TAGA-T. GRCh37 (hg19) VCF-style: chr2-26414523-TAGA-T.
Other names: p.?; c.2001-29_2001-27del (NM_000182.5).
Identifiers: ClinVar variation 4684544 (VCV004684544.1).

ClinVar aggregate classification (germline): Benign (1 of 4 stars; one submission).

Submission:

Mayo Clinic Laboratories, Mayo Clinic
Classification: Benign. Last evaluated: 2022-08-24. Review status: criteria provided, single submitter. Criteria: ACMG Guidelines, 2015. Collection method: clinical testing. Allele origin: germline. Observed: 9 variant alleles.
Comment: BS1, BS2, BP4, BP7